The following is an entry in ClinVar:

ClinVar aggregate classification (germline): Conflicting classifications of pathogenicity. Review status: criteria provided, conflicting classifications (1 of 4 stars). 2 submissions from 2 submitters: Uncertain significance (1); Likely benign (1). Last evaluated 2025-09-20.

Conditions:
CHARGE syndrome (CHARGE). Also called: Coloboma, heart anomaly, choanal atresia, retardation, genital and ear anomalies; CHARGE association; Hall-Hittner syndrome; Hittner Hirsch Kreh syndrome; CHARGE ASSOCIATION--COLOBOMA, HEART ANOMALY, CHOANAL ATRESIA, RETARDATION, GENITAL AND EAR ANOMALIES. Identifiers: Orphanet 138, MedGen C0265354, MONDO:0008965.

Submissions (2):

Labcorp Genetics (formerly Invitae), Labcorp
Classification: Likely benign for CHARGE syndrome. Last evaluated: 2025-09-20. Review status: criteria provided, single submitter. Criteria: Invitae Variant Classification Sherloc (09022015). Collection method: clinical testing. Allele origin: germline.

Laboratorio de Genetica e Diagnostico Molecular, Hospital Israelita Albert Einstein
Classification: Uncertain significance. Last evaluated: 2020-12-18. Review status: criteria provided, single submitter. Criteria: ACMG Guidelines, 2015. Collection method: clinical testing. Allele origin: germline. Affected: yes.
Comment: ACMG classification criteria: PM2, BP7

NM_017780.4(CHD7):c.411C>G (p.Ser137=)

Gene: CHD7 (chromodomain helicase DNA binding protein 7; plus strand). Cytogenetic location: 8q12.2.
Variant type: single nucleotide variant.
Coding change: c.411C>G on transcript NM_017780.4 (MANE Select); coding-DNA position 411, C replaced by G.
Protein change: p.Ser137=; no amino-acid change (serine 137 retained).
Molecular consequence: synonymous variant.
Genome position (GRCh38, 1-based): chr8:60,741,843, C>G. VCF-style: chr8-60741843-C-G. GRCh37 (hg19) VCF-style: chr8-61654402-C-G.
Other names: c.411C>G, p.Ser137= (NM_001316690.1).
Identifiers: ClinVar variation 1612048 (VCV001612048.10), dbSNP rs1317598292, ClinGen allele CA461103104.